The following is an entry in ClinVar:

NM_006005.3(WFS1):c.1941C>G (p.Cys647Trp)

Gene: WFS1 (wolframin ER transmembrane glycoprotein; plus strand). Cytogenetic location: 4p16.1.
Variant type: single nucleotide variant.
Coding change: c.1941C>G on transcript NM_006005.3 (MANE Select); coding-DNA position 1941, C replaced by G.
Protein change: p.Cys647Trp; replaces cysteine 647 with tryptophan.
Molecular consequence: missense variant.
Genome position (GRCh38, 1-based): chr4:6,301,736, C>G. VCF-style: chr4-6301736-C-G. GRCh37 (hg19) VCF-style: chr4-6303463-C-G.
Other names: c.1941C>G, p.Cys647Trp (NM_001145853.1); short protein forms C647W.
Identifiers: ClinVar variation 4765406 (VCV004765406.2).

ClinVar aggregate classification (germline): Uncertain significance. Review status: criteria provided, multiple submitters, no conflicts (2 of 4 stars). 2 submissions from 2 submitters: Uncertain significance (2). Last evaluated 2026-06-11.

gnomAD v4.1: 3 of 1,613,996 alleles (0.00019%); highest among the groups gnomAD compares: East Asian, 0.0022%; no homozygotes.

Submissions (2):

GeneDx
Classification: Uncertain significance. Last evaluated: 2026-06-11. Review status: criteria provided, single submitter. Criteria: GeneDx Variant Classification Process June 2021. Collection method: clinical testing. Allele origin: germline.
Comment: Not observed at significant frequency in large population cohorts (gnomAD); In silico analysis supports that this missense variant has a deleterious effect on protein structure/function; Has not been previously published as pathogenic or benign to our knowledge

Labcorp Genetics (formerly Invitae), Labcorp
Classification: Uncertain significance. Last evaluated: 2025-10-29. Review status: criteria provided, single submitter. Criteria: Invitae Variant Classification Sherloc (09022015). Collection method: clinical testing. Allele origin: germline.
Comment: This sequence change replaces cysteine, which is neutral and slightly polar, with tryptophan, which is neutral and slightly polar, at codon 647 of the WFS1 protein (p.Cys647Trp). This variant is present in population databases (no rsID available, gnomAD 0.0009%). This variant has not been reported in the literature in individuals affected with WFS1-related conditions. Invitae Evidence Modeling of protein sequence and biophysical properties (such as structural, functional, and spatial information, amino acid conservation, physicochemical variation, residue mobility, and thermodynamic stability) has been performed for this missense variant. However, the output from this modeling did not meet the statistical confidence thresholds required to predict the impact of this variant on WFS1 protein function. In summary, the available evidence is currently insufficient to determine the role of this variant in disease. Therefore, it has been classified as a Variant of Uncertain Significance.